The following is an entry in ClinVar:

NM_019066.5(MAGEL2):c.1766C>T (p.Ala589Val)

Gene: MAGEL2 (MAGE family member L2; minus strand). Cytogenetic location: 15q11.2.
Variant type: single nucleotide variant.
Coding change: c.1766C>T on transcript NM_019066.5 (MANE Select); coding-DNA position 1766, C replaced by T.
Protein change: p.Ala589Val; replaces alanine 589 with valine.
Molecular consequence: missense variant.
Genome position (GRCh38, 1-based): chr15:23,645,977, G>A on the plus strand (C>T on the coding strand, the complement: MAGEL2 is on the minus strand). VCF-style: chr15-23645977-G-A. GRCh37 (hg19) VCF-style: chr15-23891124-G-A.
Other names: short protein forms A589V.
Identifiers: ClinVar variation 3031404 (VCV003031404.5), dbSNP rs912914119, ClinGen allele CA267660093.

ClinVar aggregate classification (germline): Uncertain significance. Review status: criteria provided, multiple submitters, no conflicts (2 of 4 stars). 3 submissions from 3 submitters: Uncertain significance (2). 1 of the submissions does not count toward it. Last evaluated 2025-06-22.

Conditions:
MAGEL2-related disorder. Also called: MAGEL2-related condition.
Inborn genetic diseases. Identifiers: MedGen C0950123, MeSH D030342.

Submissions (3):

Ambry Genetics
Classification: Uncertain significance for Inborn genetic diseases. Last evaluated: 2025-06-22. Review status: criteria provided, single submitter. Criteria: Ambry Variant Classification Scheme 2023. Collection method: clinical testing. Allele origin: germline.

Labcorp Genetics (formerly Invitae), Labcorp
Classification: Uncertain significance. Last evaluated: 2024-05-31. Review status: criteria provided, single submitter. Criteria: Invitae Variant Classification Sherloc (09022015). Collection method: clinical testing. Allele origin: germline.
Comment: This sequence change replaces alanine, which is neutral and non-polar, with valine, which is neutral and non-polar, at codon 589 of the MAGEL2 protein (p.Ala589Val). This variant is not present in population databases (gnomAD no frequency). This variant has not been reported in the literature in individuals affected with MAGEL2-related conditions. Advanced modeling of protein sequence and biophysical properties (such as structural, functional, and spatial information, amino acid conservation, physicochemical variation, residue mobility, and thermodynamic stability) performed at Invitae indicates that this missense variant is not expected to disrupt MAGEL2 protein function with a negative predictive value of 80%. In summary, the available evidence is currently insufficient to determine the role of this variant in disease. Therefore, it has been classified as a Variant of Uncertain Significance.

PreventionGenetics, part of Exact Sciences
Classification: Uncertain significance for MAGEL2-related condition. Last evaluated: 2024-01-22. Review status: no assertion criteria provided. Collection method: clinical testing. Allele origin: germline. Not counted in ClinVar's aggregate classification.
Comment: The MAGEL2 c.1766C>T variant is predicted to result in the amino acid substitution p.Ala589Val. To our knowledge, this variant has not been reported in the literature or in a large population database, indicating this variant is rare. At this time, the clinical significance of this variant is uncertain due to the absence of conclusive functional and genetic evidence.